The following is an entry in ClinVar:

ClinVar aggregate classification (germline): Pathogenic. Review status: criteria provided, multiple submitters, no conflicts (2 of 4 stars). 3 submissions from 3 submitters: Pathogenic (2). 1 of the submissions does not count toward it. Last evaluated 2025-12-16.

Conditions:
Juvenile retinoschisis (RS1). Also called: X-Linked Juvenile Retinoschisis; X-linked retinoschisis. Identifiers: Orphanet 792, MedGen C3714753, MONDO:0010725, OMIM 312700.

Submissions (3):

3billion
Classification: Pathogenic for Juvenile retinoschisis. Last evaluated: 2025-12-16. Review status: criteria provided, single submitter. Criteria: ACMG Guidelines, 2015. Collection method: clinical testing. Allele origin: germline. Affected: yes.
Comment: The variant is not observed in the gnomAD v4.1.0 dataset. Predicted Consequence/Location: Stop-gained (nonsense): predicted to result in a loss or disruption of normal protein function through nonsense-mediated decay (NMD) or protein truncation. Multiple pathogenic variants are reported downstream of the variant. The variant has been reported at least twice as pathogenic without evidence for the classification (ClinVar ID: VCV000098926 /PMID: 12920343). Therefore, this variant is classified as Pathogenic according to the recommendation of ACMG/AMP guideline.

GeneDx
Classification: Pathogenic. Last evaluated: 2017-09-07. Review status: criteria provided, single submitter. Criteria: GeneDx Variant Classification (06012015). Collection method: clinical testing. Allele origin: germline. Affected: yes.
Comment: The W96X pathogenic variant in the RS1 gene has been reported previously in affected males from at least two families with retinoschisis (Sato et al., 2003; Murro et al., 2017). This variant is predicted to cause loss of normal protein function either through protein truncation or nonsense-mediated mRNA decay. The W96X variant is not observed in large population cohorts (Lek et al., 2016; 1000 Genomes Consortium et al., 2015; Exome Variant Server). We interpret W96X as a pathogenic variant.

Retina International
No classification provided. Review status: no classification provided. Collection method: not provided. Allele origin: unknown. Not counted in ClinVar's aggregate classification.

Literature cited by the submitters: PubMed 12920343 (cited by 3billion).

NM_000330.4(RS1):c.288G>A (p.Trp96Ter)

Genes: CDKL5 (cyclin dependent kinase like 5; plus strand), RS1 (retinoschisin 1; minus strand). Cytogenetic location: Xp22.13.
Variant type: single nucleotide variant.
Coding change: c.288G>A on transcript NM_000330.4 (MANE Select); coding-DNA position 288, G replaced by A.
Protein change: p.Trp96Ter; replaces tryptophan 96 with a stop codon.
Molecular consequence: nonsense. On other transcripts: intron variant (2).
Genome position (GRCh38, 1-based): chrX:18,647,229, C>T on the plus strand (G>A on the coding strand, the complement: RS1 is on the minus strand). VCF-style: chrX-18647229-C-T. GRCh37 (hg19) VCF-style: chrX-18665349-C-T.
Other names: c.2797+1139C>T (NM_003159.3, NM_001037343.2); short protein forms W96*.
Identifiers: ClinVar variation 98926 (VCV000098926.5), dbSNP rs61752064, ClinGen allele CA226655.